The following is an entry in ClinVar:

NM_004006.3(DMD):c.2717T>C (p.Phe906Ser)

Gene: DMD (dystrophin; minus strand). Cytogenetic location: Xp21.1.
Variant type: single nucleotide variant.
Coding change: c.2717T>C on transcript NM_004006.3 (MANE Select); coding-DNA position 2717, T replaced by C.
Protein change: p.Phe906Ser; replaces phenylalanine 906 with serine.
Molecular consequence: missense variant.
Genome position (GRCh38, 1-based): chrX:32,485,005, A>G on the plus strand (T>C on the coding strand, the complement: DMD is on the minus strand). VCF-style: chrX-32485005-A-G. GRCh37 (hg19) VCF-style: chrX-32503122-A-G.
Other names: c.2693T>C, p.Phe898Ser (NM_000109.4); c.2705T>C, p.Phe902Ser (NM_004009.3); c.2348T>C, p.Phe783Ser (NM_004010.3); short protein forms F783S, F906S, F898S, F902S.
Identifiers: ClinVar variation 1795125 (VCV001795125.5), dbSNP rs375557173, ClinGen allele CA10379451.

ClinVar aggregate classification (germline): Conflicting classifications of pathogenicity. Review status: criteria provided, conflicting classifications (1 of 4 stars). 2 submissions from 2 submitters: Uncertain significance (1); Likely benign (1). Last evaluated 2025-09-23.

Conditions:
Duchenne muscular dystrophy (DMD). Also called: MUSCULAR DYSTROPHY, PSEUDOHYPERTROPHIC PROGRESSIVE, DUCHENNE TYPE; Duchenne Muscular Dystrophy (DMD). Identifiers: Orphanet 98896, MedGen C0013264, MONDO:0010679, OMIM 310200.
Cardiovascular phenotype. Identifiers: MedGen CN230736.

Allele frequency attached by ClinVar (database versions not stated): ExAC 0.00001; ESP Exome Variant Server 0.00009.
gnomAD v4.1: 1 of 1,209,847 alleles (0.000083%); highest among the groups gnomAD compares: African/African-American, 0.0017%; no homozygotes.

Submissions (2):

Labcorp Genetics (formerly Invitae), Labcorp
Classification: Likely benign for Duchenne muscular dystrophy. Last evaluated: 2025-09-23. Review status: criteria provided, single submitter. Criteria: Invitae Variant Classification Sherloc (09022015). Collection method: clinical testing. Allele origin: germline.

Ambry Genetics
Classification: Uncertain significance for Cardiovascular phenotype. Last evaluated: 2019-10-23. Review status: criteria provided, single submitter. Criteria: Ambry Variant Classification Scheme 2023. Collection method: clinical testing. Allele origin: germline.
Comment: The p.F906S variant (also known as c.2717T>C), located in coding exon 21 of the DMD gene, results from a T to C substitution at nucleotide position 2717. The phenylalanine at codon 906 is replaced by serine, an amino acid with highly dissimilar properties. This amino acid position is highly conserved in available vertebrate species. In addition, this alteration is predicted to be tolerated by in silico analysis. Since supporting evidence is limited at this time, the clinical significance of this alteration remains unclear.